The following is an entry in ClinVar:

ClinVar aggregate classification (germline): Uncertain significance (1 of 4 stars; one submission).

Allele frequency attached by ClinVar (database versions not stated): gnomAD exomes below 0.00001; ExAC 0.00001.
gnomAD v4.1: 4 of 1,614,042 alleles (0.00025%); highest among the groups gnomAD compares: South Asian, 0.0044%; no homozygotes.

Submission:

Ambry Genetics
Classification: Uncertain significance. Last evaluated: 2021-09-30. Review status: criteria provided, single submitter. Criteria: Ambry Variant Classification Scheme 2023. Collection method: clinical testing. Allele origin: germline.
Comment: The p.N2176D variant (also known as c.6526A>G), located in coding exon 49 of the PRKDC gene, results from an A to G substitution at nucleotide position 6526. The asparagine at codon 2176 is replaced by aspartic acid, an amino acid with highly similar properties. This amino acid position is conserved. In addition, this alteration is predicted to be tolerated by in silico analysis. Since supporting evidence is limited at this time, the clinical significance of this alteration remains unclear.

NM_006904.7(PRKDC):c.6526A>G (p.Asn2176Asp)

Gene: PRKDC (protein kinase, DNA-activated, catalytic subunit; minus strand). Cytogenetic location: 8q11.21.
Variant type: single nucleotide variant.
Coding change: c.6526A>G on transcript NM_006904.7 (MANE Select); coding-DNA position 6526, A replaced by G.
Protein change: p.Asn2176Asp; replaces asparagine 2176 with aspartic acid.
Molecular consequence: missense variant.
Genome position (GRCh38, 1-based): chr8:47,857,239, T>C on the plus strand (A>G on the coding strand, the complement: PRKDC is on the minus strand). VCF-style: chr8-47857239-T-C. GRCh37 (hg19) VCF-style: chr8-48769800-T-C.
Other names: c.6526A>G, p.Asn2176Asp (NM_001081640.2); short protein forms N2176D.
Identifiers: ClinVar variation 1754047 (VCV001754047.2), dbSNP rs779513205, ClinGen allele CA4740327.